The following is an entry in ClinVar:

ClinVar aggregate classification (germline): Uncertain significance (1 of 4 stars; one submission).

Conditions:
Cystic fibrosis (CF). Also called: MUCOVISCIDOSIS. Identifiers: Orphanet 586, MedGen C0010674, MONDO:0009061, OMIM 219700. Disease mechanism: loss of function.

Submission:

Ambry Genetics
Classification: Uncertain significance for Cystic fibrosis. Last evaluated: 2022-04-01. Review status: criteria provided, single submitter. Criteria: Ambry Variant Classification Scheme 2023. Collection method: clinical testing. Allele origin: germline.
Comment: The p.I231R variant (also known as c.692T>G), located in coding exon 6 of the CFTR gene, results from a T to G substitution at nucleotide position 692. The isoleucine at codon 231 is replaced by arginine, an amino acid with similar properties. This amino acid position is conserved. In addition, this alteration is predicted to be deleterious by in silico analysis. Since supporting evidence is limited at this time, the clinical significance of this alteration remains unclear.

NM_000492.4(CFTR):c.692T>G (p.Ile231Arg)

Gene: CFTR (CF transmembrane conductance regulator; plus strand). Cytogenetic location: 7q31.2.
Variant type: single nucleotide variant.
Coding change: c.692T>G on transcript NM_000492.4 (MANE Select); coding-DNA position 692, T replaced by G.
Protein change: p.Ile231Arg; replaces isoleucine 231 with arginine.
Molecular consequence: missense variant.
Genome position (GRCh38, 1-based): chr7:117,535,360, T>G. VCF-style: chr7-117535360-T-G. GRCh37 (hg19) VCF-style: chr7-117175414-T-G.
Other names: short protein forms I231R.
Identifiers: ClinVar variation 1756208 (VCV001756208.2), dbSNP rs2485017298, ClinGen allele CA368977068.
Genomic context (GRCh38, chr7:117,535,360, plus strand): 5'-TCATGGGGCTAATCTGGGAGTTGTTACAGGCGTCTGCCTTCTGTGGACTTGGTTTCCTGA[T>G]AGTCCTTGCCCTTTTTCAGGCTGGGCTAGGGAGAATGATGATGAAGTACAGGTAGCAACC-3'
Protein context (NP_000483.3, residues 221-241): ASAFCGLGFL[Ile231Arg]VLALFQAGLG